The following is an entry in ClinVar:

ClinVar aggregate classification (germline): Uncertain significance (1 of 4 stars; one submission).

Allele frequency attached by ClinVar (database versions not stated): gnomAD exomes below 0.00001.
gnomAD v4.1: 1 of 1,608,702 alleles (0.000062%); highest among the groups gnomAD compares: Non-Finnish European, 0.000085%; no homozygotes.

Submission:

Labcorp Genetics (formerly Invitae), Labcorp
Classification: Uncertain significance. Last evaluated: 2022-02-01. Review status: criteria provided, single submitter. Criteria: Invitae Variant Classification Sherloc (09022015). Collection method: clinical testing. Allele origin: germline.
Comment: In summary, the available evidence is currently insufficient to determine the role of this variant in disease. Therefore, it has been classified as a Variant of Uncertain Significance. Algorithms developed to predict the effect of sequence changes on RNA splicing suggest that this variant may disrupt the consensus splice site. This variant has not been reported in the literature in individuals affected with CACNA2D4-related conditions. This variant is not present in population databases (gnomAD no frequency). This sequence change affects an acceptor splice site in intron 4 of the CACNA2D4 gene. It is expected to disrupt RNA splicing. Variants that disrupt the donor or acceptor splice site typically lead to a loss of protein function (PMID: 16199547), however the current clinical and genetic evidence is not sufficient to establish whether loss-of-function variants in CACNA2D4 cause disease.

Literature cited by the submitters: PubMed 16199547.

NM_172364.5(CACNA2D4):c.487-1G>C

Gene: CACNA2D4 (calcium voltage-gated channel auxiliary subunit alpha2delta 4; minus strand). Cytogenetic location: 12p13.33.
Variant type: single nucleotide variant.
Coding change: c.487-1G>C on transcript NM_172364.5 (MANE Select); the canonical splice acceptor site of the intron before coding-DNA position 487, G replaced by C.
Molecular consequence: splice acceptor variant.
Genome position (GRCh38, 1-based): chr12:1,908,038, C>G on the plus strand (G>C on the coding strand, the complement: CACNA2D4 is on the minus strand). VCF-style: chr12-1908038-C-G. GRCh37 (hg19) VCF-style: chr12-2017204-C-G.
Identifiers: ClinVar variation 2091532 (VCV002091532.4), dbSNP rs2497331171, ClinGen allele CA383364693.